The following is an entry in ClinVar:

ClinVar aggregate classification (germline): Uncertain significance (1 of 4 stars; one submission).

Conditions:
Fanconi anemia (FA). Also called: Fanconi's anemia. Identifiers: Orphanet 84, MedGen C0015625, MeSH D005199, MONDO:0019391.

Allele frequency attached by ClinVar (database versions not stated): TOPMed below 0.00001.
gnomAD v4.1: 2 of 1,613,382 alleles (0.00012%); highest among the groups gnomAD compares: Admixed American, 0.0017%; no homozygotes.

Submission:

Labcorp Genetics (formerly Invitae), Labcorp
Classification: Uncertain significance for Fanconi anemia. Last evaluated: 2022-10-01. Review status: criteria provided, single submitter. Criteria: Invitae Variant Classification Sherloc (09022015). Collection method: clinical testing. Allele origin: germline.
Comment: This sequence change replaces tyrosine, which is neutral and polar, with cysteine, which is neutral and slightly polar, at codon 86 of the FANCA protein (p.Tyr86Cys). This variant is present in population databases (no rsID available, gnomAD 0.003%). This variant has not been reported in the literature in individuals affected with FANCA-related conditions. Advanced modeling of protein sequence and biophysical properties (such as structural, functional, and spatial information, amino acid conservation, physicochemical variation, residue mobility, and thermodynamic stability) performed at Invitae indicates that this missense variant is not expected to disrupt FANCA protein function. In summary, the available evidence is currently insufficient to determine the role of this variant in disease. Therefore, it has been classified as a Variant of Uncertain Significance.

NM_000135.4(FANCA):c.257A>G (p.Tyr86Cys)

Gene: FANCA (FA complementation group A; minus strand). Cytogenetic location: 16q24.3.
Variant type: single nucleotide variant.
Coding change: c.257A>G on transcript NM_000135.4 (MANE Select); coding-DNA position 257, A replaced by G.
Protein change: p.Tyr86Cys; replaces tyrosine 86 with cysteine.
Molecular consequence: missense variant.
Genome position (GRCh38, 1-based): chr16:89,814,546, T>C on the plus strand (A>G on the coding strand, the complement: FANCA is on the minus strand). VCF-style: chr16-89814546-T-C. GRCh37 (hg19) VCF-style: chr16-89880954-T-C.
Other names: c.257A>G, p.Tyr86Cys (NM_001018112.3, NM_001286167.3, NM_001351830.2); short protein forms Y86C.
Identifiers: ClinVar variation 2085415 (VCV002085415.1), dbSNP rs1156288464, ClinGen allele CA397482471.